The following is an entry in ClinVar:

NM_003839.4(TNFRSF11A):c.1442AAG[2] (p.Glu483del)

Gene: TNFRSF11A (TNF receptor superfamily member 11a; plus strand). Cytogenetic location: 18q21.33.
Variant type: Microsatellite.
Coding change: c.1442AAG[2] on transcript NM_003839.4 (MANE Select); two copies in a row of the 3-base unit AAG starting at c.1442; the reference has three copies in a row; one copy, 3 bases deleted; also written c.1448_1450del.
Protein change: p.Glu483del; deletes glutamic acid 483.
Molecular consequence: inframe deletion. On other transcripts: intron variant (3).
Genome position (GRCh38, 1-based): chr18:62,369,365-62,369,367, AAG deleted; deleting any 3 consecutive bases within chr18:62,369,358-62,369,367 gives the same sequence; the position shown is the placement nearest the transcript's 3' end. VCF-style (leftmost placement, unchanged base first): chr18-62369357-TGAA-T. GRCh37 (hg19) VCF-style: chr18-60036590-TGAA-T.
Other names: c.1448_1450del (NM_003839.4); c.1400AAG[2], p.Glu469del (NM_001278268.2); c.783+2598GAA[2] (NM_001270949.2); c.730+7565GAA[2] (NM_001270950.2); c.616+9309GAA[2] (NM_001270951.2); short protein forms E469del, E483del.
Identifiers: ClinVar variation 1915163 (VCV001915163.6), dbSNP rs771555209, ClinGen allele CA8983967.

ClinVar aggregate classification (germline): Uncertain significance. Review status: criteria provided, multiple submitters, no conflicts (2 of 4 stars). 2 submissions from 2 submitters: Uncertain significance (2). Last evaluated 2025-11-22.

Conditions:
Familial expansile osteolysis (FEO). Also called: POLYOSTOTIC OSTEOLYTIC DYSPLASIA, HEREDITARY EXPANSILE; MCCABE DISEASE. Identifiers: Orphanet 85195, MedGen C0432292, MONDO:0008275, OMIM 174810.

Submissions (2):

Labcorp Genetics (formerly Invitae), Labcorp
Classification: Uncertain significance. Last evaluated: 2025-11-22. Review status: criteria provided, single submitter. Criteria: Invitae Variant Classification Sherloc (09022015). Collection method: clinical testing. Allele origin: germline.
Comment: This variant, c.1448_1450del, results in the deletion of 1 amino acid(s) of the TNFRSF11A protein (p.Glu483del), but otherwise preserves the integrity of the reading frame. This variant is present in population databases (rs771555209, gnomAD 0.003%). This variant has not been reported in the literature in individuals affected with TNFRSF11A-related conditions. Experimental studies and prediction algorithms are not available or were not evaluated, and the functional significance of this variant is currently unknown. In summary, the available evidence is currently insufficient to determine the role of this variant in disease. Therefore, it has been classified as a Variant of Uncertain Significance.

Genomic Medicine Center of Excellence, King Faisal Specialist Hospital and Research Centre
Classification: Uncertain significance for Familial expansile osteolysis. Last evaluated: 2024-12-19. Review status: criteria provided, single submitter. Criteria: ACMG Guidelines, 2015. Collection method: clinical testing. Allele origin: germline.